The following is an entry in ClinVar:

NM_001291303.3(FAT4):c.5308-19G>A

Gene: FAT4 (FAT atypical cadherin 4; plus strand). Cytogenetic location: 4q28.1.
Variant type: single nucleotide variant.
Coding change: c.5308-19G>A on transcript NM_001291303.3 (MANE Select); 19 bases into the intron before coding-DNA position 5308, G replaced by A.
Molecular consequence: intron variant.
Genome position (GRCh38, 1-based): chr4:125,406,861, G>A. VCF-style: chr4-125406861-G-A. GRCh37 (hg19) VCF-style: chr4-126328016-G-A.
Other names: c.5308-19G>A (NM_001291285.3, NM_024582.6).
Identifiers: ClinVar variation 512602 (VCV000512602.8), dbSNP rs1369164587, ClinGen allele CA555019312.

ClinVar aggregate classification (germline): Likely benign. Review status: criteria provided, multiple submitters, no conflicts (2 of 4 stars). 2 submissions from 2 submitters: Likely benign (2). Last evaluated 2024-07-19.

Allele frequency attached by ClinVar (database versions not stated): gnomAD exomes below 0.00001; TOPMed below 0.00001; gnomAD 0.00001.
gnomAD v4.1: 6 of 1,610,002 alleles (0.00037%); highest among the groups gnomAD compares: African/African-American, 0.0054%; no homozygotes.

Submissions (2):

Labcorp Genetics (formerly Invitae), Labcorp
Classification: Likely benign. Last evaluated: 2024-07-19. Review status: criteria provided, single submitter. Criteria: Invitae Variant Classification Sherloc (09022015). Collection method: clinical testing. Allele origin: germline.

GeneDx
Classification: Likely benign. Last evaluated: 2017-10-12. Review status: criteria provided, single submitter. Criteria: GeneDx Variant Classification (06012015). Collection method: clinical testing. Allele origin: germline. Affected: yes.
Comment: This variant is considered likely benign or benign based on one or more of the following criteria: it is a conservative change, it occurs at a poorly conserved position in the protein, it is predicted to be benign by multiple in silico algorithms, and/or has population frequency not consistent with disease.